The following is an entry in ClinVar:

NM_000222.3(KIT):c.1624A>T (p.Ile542Phe)

Gene: KIT (KIT proto-oncogene, receptor tyrosine kinase; plus strand). Cytogenetic location: 4q12.
Variant type: single nucleotide variant.
Coding change: c.1624A>T on transcript NM_000222.3 (MANE Select); coding-DNA position 1624, A replaced by T.
Protein change: p.Ile542Phe; replaces isoleucine 542 with phenylalanine.
Molecular consequence: missense variant.
Genome position (GRCh38, 1-based): chr4:54,727,301, A>T. VCF-style: chr4-54727301-A-T. GRCh37 (hg19) VCF-style: chr4-55593467-A-T.
Other names: c.1612A>T, p.Ile538Phe (NM_001093772.2, NM_001385286.1); c.1627A>T, p.Ile543Phe (NM_001385284.1, NM_001385290.1); c.1624A>T, p.Ile542Phe (NM_001385285.1); c.1615A>T, p.Ile539Phe (NM_001385288.1, NM_001385292.1); short protein forms I542F, I538F, I539F, I543F.
Identifiers: ClinVar variation 458882 (VCV000458882.12), dbSNP rs1553891698, ClinGen allele CA356907347.

ClinVar aggregate classification (germline): Uncertain significance. Review status: criteria provided, multiple submitters, no conflicts (2 of 4 stars). 2 submissions from 2 submitters: Uncertain significance (2). Last evaluated 2025-10-05.

Conditions:
Gastrointestinal stromal tumor. Also called: Gastrointestinal stroma tumor; Gastrointestinal stromal tumor, somatic. Identifiers: Orphanet 44890, MedGen C0238198, MeSH D046152, MONDO:0011719, OMIM 606764, HP:0100723.
Hereditary cancer-predisposing syndrome. Also called: Tumor predisposition; Hereditary neoplastic syndrome; Neoplastic Syndromes, Hereditary; Hereditary Cancer Syndrome. Identifiers: Orphanet 140162, MedGen C0027672, MeSH D009386, MONDO:0015356.

Submissions (2):

Labcorp Genetics (formerly Invitae), Labcorp
Classification: Uncertain significance for Gastrointestinal stromal tumor. Last evaluated: 2025-10-05. Review status: criteria provided, single submitter. Criteria: Invitae Variant Classification Sherloc (09022015). Collection method: clinical testing. Allele origin: germline.
Comment: This sequence change replaces isoleucine, which is neutral and non-polar, with phenylalanine, which is neutral and non-polar, at codon 542 of the KIT protein (p.Ile542Phe). This variant is not present in population databases (gnomAD no frequency). This variant has not been reported in the literature in individuals affected with KIT-related conditions. ClinVar contains an entry for this variant (Variation ID: 458882). An algorithm developed to predict the effect of missense changes on protein structure and function (PolyPhen-2) suggests that this variant is likely to be disruptive. In summary, the available evidence is currently insufficient to determine the role of this variant in disease. Therefore, it has been classified as a Variant of Uncertain Significance.

Ambry Genetics
Classification: Uncertain significance for Hereditary cancer-predisposing syndrome. Last evaluated: 2024-04-29. Review status: criteria provided, single submitter. Criteria: Ambry Variant Classification Scheme 2023. Collection method: clinical testing. Allele origin: germline.
Comment: The p.I542F variant (also known as c.1624A>T), located in coding exon 10 of the KIT gene, results from an A to T substitution at nucleotide position 1624. The isoleucine at codon 542 is replaced by phenylalanine, an amino acid with highly similar properties. This amino acid position is conserved. In addition, this alteration is predicted to be tolerated by in silico analysis. Since supporting evidence is limited at this time, the clinical significance of this alteration remains unclear.